The following is an entry in ClinVar:

ClinVar aggregate classification (germline): Pathogenic/Likely pathogenic. Review status: criteria provided, multiple submitters, no conflicts (2 of 4 stars). 5 submissions from 5 submitters: Pathogenic (1); Likely pathogenic (4). Last evaluated 2026-01-26.

Conditions:
Pheochromocytoma/paraganglioma syndrome 5. Also called: Paragangliomas 5; SDHA-Related Hereditary Paraganglioma-Pheochromocytoma Syndrome. Identifiers: Orphanet 29072, MedGen C3279992, MONDO:0013602, OMIM 614165.
Hereditary cancer-predisposing syndrome. Also called: Tumor predisposition; Hereditary neoplastic syndrome; Neoplastic Syndromes, Hereditary; Hereditary Cancer Syndrome. Identifiers: Orphanet 140162, MedGen C0027672, MeSH D009386, MONDO:0015356.
Neurodegeneration with ataxia and late-onset optic atrophy. Identifiers: MedGen C5543254, MONDO:0031006, OMIM 619259.
Dilated cardiomyopathy 1GG (CMD1GG). Identifiers: Orphanet 154, MedGen C3150898, MONDO:0013339, OMIM 613642.
Mitochondrial complex II deficiency, nuclear type 1. Also called: SUCCINATE CoQ REDUCTASE DEFICIENCY. Identifiers: Orphanet 3208, MedGen C5700310, MONDO:0100294, OMIM 252011.

gnomAD v4.1: 1 of 1,613,892 alleles (0.000062%); highest among the groups gnomAD compares: Non-Finnish European, 0.000085%; no homozygotes.

Submissions (5):

Ambry Genetics
Classification: Pathogenic for Hereditary cancer-predisposing syndrome. Last evaluated: 2026-01-26. Review status: criteria provided, single submitter. Criteria: Ambry Variant Classification Scheme 2023. Collection method: clinical testing. Allele origin: germline.
Comment: The c.456+1G>A intronic pathogenic mutation results from a G to A substitution one nucleotide after coding exon 4 of the SDHA gene. This variant was reported in individual(s) with features consistent with SDHA-related hereditary pheochromocytoma-paraganglioma (Ambry internal data). This nucleotide position is highly conserved in available vertebrate species. In silico splice site analysis predicts that this alteration will weaken the native splice donor site. RNA studies have demonstrated that this alteration results in abnormal splicing in the set of samples tested (Ambry internal data). This variant is considered to be rare based on population cohorts in the Genome Aggregation Database (gnomAD). Based on the supporting evidence, this variant is interpreted as a disease-causing mutation.

Labcorp Genetics (formerly Invitae), Labcorp
Classification: Likely pathogenic for Pheochromocytoma/paraganglioma syndrome 5; Mitochondrial complex II deficiency, nuclear type 1. Last evaluated: 2025-11-01. Review status: criteria provided, single submitter. Criteria: Invitae Variant Classification Sherloc (09022015). Collection method: clinical testing. Allele origin: germline.
Comment: This sequence change affects a donor splice site in intron 4 of the SDHA gene. It is expected to disrupt RNA splicing. Variants that disrupt the donor or acceptor splice site typically lead to a loss of protein function (PMID: 16199547), and loss-of-function variants in SDHA are known to be pathogenic (PMID: 22974104, 24781757). This variant is not present in population databases (gnomAD no frequency). This variant has not been reported in the literature in individuals affected with SDHA-related conditions. ClinVar contains an entry for this variant (Variation ID: 825001). Algorithms developed to predict the effect of sequence changes on RNA splicing suggest that this variant may disrupt the consensus splice site. In summary, the currently available evidence indicates that the variant is pathogenic, but additional data are needed to prove that conclusively. Therefore, this variant has been classified as Likely Pathogenic.

Myriad Genetics, Inc.
Classification: Likely pathogenic for Pheochromocytoma/paraganglioma syndrome 5. Last evaluated: 2024-02-07. Review status: criteria provided, single submitter. Criteria: Myriad Autosomal Dominant, Autosomal Recessive and X-Linked Classification Criteria (2023). Collection method: clinical testing. Allele origin: unknown.
Comment: This variant is considered likely pathogenic. This variant occurs within a consensus splice junction and is predicted to result in abnormal mRNA splicing of either an out-of-frame exon or an in-frame exon necessary for protein stability and/or normal function.

Women's Health and Genetics/Laboratory Corporation of America, LabCorp
Classification: Likely pathogenic for Neurodegeneration with ataxia and late-onset optic atrophy. Last evaluated: 2022-06-14. Review status: criteria provided, single submitter. Criteria: LabCorp Variant Classification Summary - May 2015. Collection method: clinical testing. Allele origin: germline.
Comment: Variant summary: SDHA c.456+1G>A is located in a canonical splice-site and is predicted to affect mRNA splicing resulting in a significantly altered protein due to either exon skipping, shortening, or inclusion of intronic material. Several computational tools predict a significant impact on normal splicing: Three predict the variant abolishes a 5' splicing donor site. However, these predictions have yet to be confirmed by functional studies. The variant was absent in 249892 control chromosomes (gnomAD). To our knowledge, no occurrence of c.456+1G>A in individuals affected with Neurodegeneration With Ataxia And Late-Onset Optic Atrophy and no experimental evidence demonstrating its impact on protein function have been reported. Two clinical diagnostic laboratories have submitted clinical-significance assessments for this variant to ClinVar after 2014 and classified the variant as likely pathogenic. Based on the evidence outlined above, the variant was classified as likely pathogenic.

Fulgent Genetics
Classification: Likely pathogenic for Mitochondrial complex II deficiency, nuclear type 1; Dilated cardiomyopathy 1GG; Pheochromocytoma/paraganglioma syndrome 5; Neurodegeneration with ataxia and late-onset optic atrophy. Last evaluated: 2021-10-16. Review status: criteria provided, single submitter. Criteria: ACMG Guidelines, 2015. Collection method: clinical testing. Allele origin: unknown.

Literature cited by the submitters: PubMed 16199547 (cited by Labcorp Genetics (formerly Invitae), Labcorp); PubMed 22974104 (cited by Labcorp Genetics (formerly Invitae), Labcorp); PubMed 24781757 (cited by Labcorp Genetics (formerly Invitae), Labcorp).

NM_004168.4(SDHA):c.456+1G>A

Gene: SDHA (succinate dehydrogenase complex flavoprotein subunit A; plus strand). Cytogenetic location: 5p15.33.
Variant type: single nucleotide variant.
Coding change: c.456+1G>A on transcript NM_004168.4 (MANE Select); the canonical splice donor site of the intron after coding-DNA position 456, G replaced by A.
Molecular consequence: splice donor variant. On other transcripts: intron variant (1).
Genome position (GRCh38, 1-based): chr5:225,563, G>A. VCF-style: chr5-225563-G-A. GRCh37 (hg19) VCF-style: chr5-225678-G-A.
Other names: c.456+1G>A (NM_001330758.2); c.313-320G>A (NM_001294332.2).
Identifiers: ClinVar variation 825001 (VCV000825001.16), dbSNP rs1579384604, ClinGen allele CA359009717.